The following is an entry in ClinVar:

NM_001814.6(CTSC):c.1337A>C (p.Asp446Ala)

Gene: CTSC (cathepsin C; minus strand). Cytogenetic location: 11q14.2.
Variant type: single nucleotide variant.
Coding change: c.1337A>C on transcript NM_001814.6 (MANE Select); coding-DNA position 1337, A replaced by C.
Protein change: p.Asp446Ala; replaces aspartic acid 446 with alanine.
Molecular consequence: missense variant.
Genome position (GRCh38, 1-based): chr11:88,294,061, T>G on the plus strand (A>C on the coding strand, the complement: CTSC is on the minus strand). VCF-style: chr11-88294061-T-G. GRCh37 (hg19) VCF-style: chr11-88027229-T-G.
Other names: short protein forms D446A.
Identifiers: ClinVar variation 1311589 (VCV001311589.2), dbSNP rs1224318776, ClinGen allele CA382021361.
Genomic context (GRCh38, chr11:88,294,061, plus strand): 5'-ATACCCTACAATTTAGGAATTGGTGTGGCTGCCACTGCTATGCTCTCAATTGCACACTCA[T>G]CAGTTCCTCTGCGGATCCGGAAGTAGCCATTCTCACCCCAGCCGGTGCCCCAGCTGTTTT-3'
Protein context (NP_001805.4, residues 436-456): NGYFRIRRGT[Asp446Ala]ECAIESIAVA

ClinVar aggregate classification (germline): Uncertain significance (1 of 4 stars; one submission).

Allele frequency attached by ClinVar (database versions not stated): gnomAD exomes below 0.00001.
gnomAD v4.1: 1 of 1,614,062 alleles (0.000062%); no homozygotes.

Submission:

GeneDx
Classification: Uncertain significance. Last evaluated: 2020-01-17. Review status: criteria provided, single submitter. Criteria: GeneDx Variant Classification Process June 2021. Collection method: clinical testing. Allele origin: germline. Affected: yes.
Comment: Not observed at a significant frequency in large population cohorts (Lek et al., 2016); In silico analysis, which includes protein predictors and evolutionary conservation, supports a deleterious effect; This variant is associated with the following publications: (PMID: 31846207, 32978145)